The following is an entry in ClinVar:

ClinVar aggregate classification (germline): Uncertain significance (1 of 4 stars; one submission).

Submission:

CeGaT Center for Human Genetics Tuebingen
Classification: Uncertain significance. Last evaluated: 2024-12-01. Review status: criteria provided, single submitter. Criteria: CeGaT Center For Human Genetics Tuebingen Variant Classification Criteria Version 2. Collection method: clinical testing. Allele origin: germline. Affected: yes. Observed: 1 variant allele.
Comment: MAP2K2: PM2, PP3

NM_030662.4(MAP2K2):c.280T>C (p.Ser94Pro)

Gene: MAP2K2 (mitogen-activated protein kinase kinase 2; minus strand). Cytogenetic location: 19p13.3.
Variant type: single nucleotide variant.
Coding change: c.280T>C on transcript NM_030662.4 (MANE Select); coding-DNA position 280, T replaced by C.
Protein change: p.Ser94Pro; replaces serine 94 with proline.
Molecular consequence: missense variant.
Genome position (GRCh38, 1-based): chr19:4,117,442, A>G on the plus strand (T>C on the coding strand, the complement: MAP2K2 is on the minus strand). VCF-style: chr19-4117442-A-G. GRCh37 (hg19) VCF-style: chr19-4117440-A-G.
Other names: short protein forms S94P.
Identifiers: ClinVar variation 3772118 (VCV003772118.13).